The following is an entry in ClinVar:

NC_000006.12:g.(?_123547330)_(123548622_?)del

Gene: TRDN (triadin; minus strand). Cytogenetic location: 6q22.31.
Variant type: Deletion.
Identifiers: ClinVar variation 652957 (VCV000652957.8).

ClinVar aggregate classification (germline): Uncertain significance (1 of 4 stars; one submission).

Conditions:
Catecholaminergic polymorphic ventricular tachycardia 1. Also called: RYR2-Related Catecholaminergic Polymorphic Ventricular Tachycardia; VENTRICULAR TACHYCARDIA, STRESS-INDUCED POLYMORPHIC 1; VENTRICULAR TACHYCARDIA, CATECHOLAMINERGIC POLYMORPHIC, 1, WITH OR WITHOUT ATRIAL DYSFUNCTION AND/OR DILATED CARDIOMYOPATHY. Identifiers: Orphanet 3286, MedGen C1631597, MONDO:0011484, OMIM 604772.

Submission:

Labcorp Genetics (formerly Invitae), Labcorp
Classification: Uncertain significance for Catecholaminergic polymorphic ventricular tachycardia 1. Last evaluated: 2019-03-08. Review status: criteria provided, single submitter. Criteria: Invitae Variant Classification Sherloc (09022015). Collection method: clinical testing. Allele origin: germline.
Comment: In summary, the available evidence is currently insufficient to determine the role of this variant in disease. Therefore, it has been classified as a Variant of Uncertain Significance. Experimental studies and prediction algorithms are not available for this variant, and the functional significance of the affected amino acid(s) is currently unknown. This variant is an in-frame deletion of the genomic region encompassing exons 3-4 of the TRDN gene. It preserves the integrity of the reading frame.